The following is an entry in ClinVar:

ClinVar aggregate classification (germline): Uncertain significance. Review status: criteria provided, multiple submitters, no conflicts (2 of 4 stars). 2 submissions from 2 submitters: Uncertain significance (2). Last evaluated 2024-05-04.

Conditions:
Hereditary cancer-predisposing syndrome. Also called: Neoplastic Syndromes, Hereditary; Hereditary Cancer Syndrome; Tumor predisposition; Hereditary neoplastic syndrome. Identifiers: Orphanet 140162, MedGen C0027672, MeSH D009386, MONDO:0015356.
Oligodontia-cancer predisposition syndrome. Also called: TOOTH AGENESIS-COLORECTAL CANCER SYNDROME. Identifiers: Orphanet 300576, MedGen C1837750, MONDO:0012075, OMIM 608615. Disease mechanism: loss of function.

Allele frequency attached by ClinVar (database versions not stated): gnomAD exomes below 0.00001.
gnomAD v4.1: 1 of 1,612,126 alleles (0.000062%); highest among the groups gnomAD compares: Non-Finnish European, 0.000085%; no homozygotes.

Submissions (2):

Ambry Genetics
Classification: Uncertain significance for Hereditary cancer-predisposing syndrome. Last evaluated: 2024-05-04. Review status: criteria provided, single submitter. Criteria: Ambry Variant Classification Scheme 2023. Collection method: clinical testing. Allele origin: germline.
Comment: The p.S16G variant (also known as c.46A>G), located in coding exon 1 of the AXIN2 gene, results from an A to G substitution at nucleotide position 46. The serine at codon 16 is replaced by glycine, an amino acid with similar properties. This amino acid position is conserved. In addition, the in silico prediction for this alteration is inconclusive. Based on the available evidence, the clinical significance of this variant remains unclear.

Labcorp Genetics (formerly Invitae), Labcorp
Classification: Uncertain significance for Oligodontia-cancer predisposition syndrome. Last evaluated: 2022-07-20. Review status: criteria provided, single submitter. Criteria: Invitae Variant Classification Sherloc (09022015). Collection method: clinical testing. Allele origin: germline.
Comment: In summary, the available evidence is currently insufficient to determine the role of this variant in disease. Therefore, it has been classified as a Variant of Uncertain Significance. Algorithms developed to predict the effect of missense changes on protein structure and function are either unavailable or do not agree on the potential impact of this missense change (SIFT: "Tolerated"; PolyPhen-2: "Possibly Damaging"; Align-GVGD: "Class C0"). This variant has not been reported in the literature in individuals affected with AXIN2-related conditions. This variant is not present in population databases (gnomAD no frequency). This sequence change replaces serine, which is neutral and polar, with glycine, which is neutral and non-polar, at codon 16 of the AXIN2 protein (p.Ser16Gly).

NM_004655.4(AXIN2):c.46A>G (p.Ser16Gly)

Gene: AXIN2 (axin 2; minus strand). Cytogenetic location: 17q24.1.
Variant type: single nucleotide variant.
Coding change: c.46A>G on transcript NM_004655.4 (MANE Select); coding-DNA position 46, A replaced by G.
Protein change: p.Ser16Gly; replaces serine 16 with glycine.
Molecular consequence: missense variant.
Genome position (GRCh38, 1-based): chr17:65,558,575, T>C on the plus strand (A>G on the coding strand, the complement: AXIN2 is on the minus strand). VCF-style: chr17-65558575-T-C. GRCh37 (hg19) VCF-style: chr17-63554693-T-C.
Other names: c.46A>G, p.Ser16Gly (NM_001363813.1); short protein forms S16G.
Identifiers: ClinVar variation 2072837 (VCV002072837.5), dbSNP rs2544255915, ClinGen allele CA400682385.
Genomic context (GRCh38, chr17:65,558,575, plus strand): 5'-ACGGTGGGGTCTCCCCTTCTTCCCCTGGCACTGGGGGCCGCGGGGCATCCTCACGGAAGC[T>C]GCTGCTGGGGTCCGGGAGGCAAGTCACCAACATAGCGCTACTCATGGTGAGGGAGCTCTT-3'
Protein context (NP_004646.3, residues 6-26): LVTCLPDPSS[Ser16Gly]FREDAPRPPV